The following is an entry in ClinVar:

ClinVar aggregate classification (germline): Uncertain significance (1 of 4 stars; one submission).

Conditions:
Familial Mediterranean fever (FMF). Also called: Periodic peritonitis; Benign paroxysmal peritonitis; POLYSEROSITIS, FAMILIAL PAROXYSMAL; POLYSEROSITIS, RECURRENT. Identifiers: Orphanet 342, MedGen C0031069, MONDO:0018088, OMIM 249100. Disease mechanism: gain of function.

Submission:

Labcorp Genetics (formerly Invitae), Labcorp
Classification: Uncertain significance for Familial Mediterranean fever. Last evaluated: 2020-12-06. Review status: criteria provided, single submitter. Criteria: Invitae Variant Classification Sherloc (09022015). Collection method: clinical testing. Allele origin: germline.
Comment: In summary, the available evidence is currently insufficient to determine the role of this variant in disease. Therefore, it has been classified as a Variant of Uncertain Significance. Algorithms developed to predict the effect of missense changes on protein structure and function (SIFT, PolyPhen-2, Align-GVGD) all suggest that this variant is likely to be tolerated, but these predictions have not been confirmed by published functional studies and their clinical significance is uncertain. This variant has not been reported in the literature in individuals with MEFV-related conditions. This variant is not present in population databases (ExAC no frequency). This sequence change replaces histidine with asparagine at codon 359 of the MEFV protein (p.His359Asn). The histidine residue is weakly conserved and there is a small physicochemical difference between histidine and asparagine.

NM_000243.3(MEFV):c.1075C>A (p.His359Asn)

Gene: MEFV (MEFV innate immunity regulator, pyrin; minus strand). Cytogenetic location: 16p13.3.
Variant type: single nucleotide variant.
Coding change: c.1075C>A on transcript NM_000243.3 (MANE Select); coding-DNA position 1075, C replaced by A.
Protein change: p.His359Asn; replaces histidine 359 with asparagine.
Molecular consequence: missense variant.
Genome position (GRCh38, 1-based): chr16:3,249,616, G>T on the plus strand (C>A on the coding strand, the complement: MEFV is on the minus strand). VCF-style: chr16-3249616-G-T. GRCh37 (hg19) VCF-style: chr16-3299616-G-T.
Other names: c.442C>A, p.His148Asn (NM_001198536.2); short protein forms H148N, H359N.
Identifiers: ClinVar variation 1428150 (VCV001428150.8), dbSNP rs2141671836, ClinGen allele CA394470544.